The following is an entry in ClinVar:

ClinVar aggregate classification (germline): Pathogenic. Review status: criteria provided, multiple submitters, no conflicts (2 of 4 stars). 2 submissions from 2 submitters: Pathogenic (2). Last evaluated 2018-01-23.

Conditions:
X-linked Emery-Dreifuss muscular dystrophy. Also called: Muscular dystrophy, tardive Emery-Dreifuss type, with contractures. Identifiers: Orphanet 261, Orphanet 98863, MedGen C0751337, MONDO:0010680.

Submissions (2):

Labcorp Genetics (formerly Invitae), Labcorp
Classification: Pathogenic for Emery-Dreifuss muscular dystrophy 1, X-linked. Last evaluated: 2018-01-23. Review status: criteria provided, single submitter. Criteria: Invitae Variant Classification Sherloc (09022015). Collection method: clinical testing. Allele origin: germline.
Comment: This sequence change results in a premature translational stop signal in the EMD gene (p.Gln162*). While this is not anticipated to result in nonsense mediated decay, it is expected to delete the last 94 amino acids of the EMD protein. This variant is not present in population databases (ExAC no frequency). This variant has not been reported in the literature in individuals with EMD-related disease. A different truncation (p.Trp226*) that lies downstream of this variant has been determined to be pathogenic (PMID: 15967842, 8589715). This suggests that deletion of this region of the EMD protein is causative of disease. For these reasons, this variant has been classified as Pathogenic.

Eurofins Ntd Llc (ga)
Classification: Pathogenic. Last evaluated: 2016-12-29. Review status: criteria provided, single submitter. Criteria: EGL Classification Definitions 2015. Collection method: clinical testing. Allele origin: germline. Observed: 1 variant allele, 1 hemizygote.

Literature cited by the submitters: PubMed 15967842 (cited by Labcorp Genetics (formerly Invitae), Labcorp); PubMed 8589715 (cited by Labcorp Genetics (formerly Invitae), Labcorp).

NM_000117.3(EMD):c.484C>T (p.Gln162Ter)

Gene: EMD (emerin; plus strand). Cytogenetic location: Xq28.
Variant type: single nucleotide variant.
Coding change: c.484C>T on transcript NM_000117.3 (MANE Select); coding-DNA position 484, C replaced by T.
Protein change: p.Gln162Ter; replaces glutamine 162 with a stop codon.
Molecular consequence: nonsense.
Genome position (GRCh38, 1-based): chrX:154,380,916, C>T. VCF-style: chrX-154380916-C-T. GRCh37 (hg19) VCF-style: chrX-153609276-C-T.
Other names: short protein forms Q162*.
Identifiers: ClinVar variation 498989 (VCV000498989.5), dbSNP rs1557182611, ClinGen allele CA415258537.
Genomic context (GRCh38, chrX:154,380,916, plus strand): 5'-CCACTTGCTCCCCTCTTTTGCCTCAGGGAACGCCCCATGTACGGCCGGGACAGTGCCTAC[C>T]AGAGCATCACGCACTACCGCCCTGTTTCAGCCTCCAGGAGCTCCCTGGACCTGTCCTATT-3'